The following is an entry in ClinVar:

NM_003200.5(TCF3):c.1816G>A (p.Val606Met)

Gene: TCF3 (transcription factor 3; minus strand). Cytogenetic location: 19p13.3.
Variant type: single nucleotide variant.
Coding change: c.1816G>A on transcript NM_003200.5 (MANE Select); coding-DNA position 1816, G replaced by A.
Protein change: p.Val606Met; replaces valine 606 with methionine.
Molecular consequence: missense variant. On other transcripts: intron variant (2).
Genome position (GRCh38, 1-based): chr19:1,615,291, C>T on the plus strand (G>A on the coding strand, the complement: TCF3 is on the minus strand). VCF-style: chr19-1615291-C-T. GRCh37 (hg19) VCF-style: chr19-1615290-C-T.
Other names: c.1813G>A, p.Val605Met (NM_001351778.2); c.1586+395G>A (NM_001136139.4, NM_001351779.2); short protein forms V605M, V606M.
Identifiers: ClinVar variation 1919670 (VCV001919670.5), dbSNP rs1332249897, ClinGen allele CA403050050.

ClinVar aggregate classification (germline): Uncertain significance (1 of 4 stars; one submission).

Submission:

Labcorp Genetics (formerly Invitae), Labcorp
Classification: Uncertain significance. Last evaluated: 2022-09-09. Review status: criteria provided, single submitter. Criteria: Invitae Variant Classification Sherloc (09022015). Collection method: clinical testing. Allele origin: germline.
Comment: In summary, the available evidence is currently insufficient to determine the role of this variant in disease. Therefore, it has been classified as a Variant of Uncertain Significance. Advanced modeling of protein sequence and biophysical properties (such as structural, functional, and spatial information, amino acid conservation, physicochemical variation, residue mobility, and thermodynamic stability) performed at Invitae indicates that this missense variant is expected to disrupt TCF3 protein function. This variant has not been reported in the literature in individuals affected with TCF3-related conditions. This variant is present in population databases (no rsID available, gnomAD 0.003%). This sequence change replaces valine, which is neutral and non-polar, with methionine, which is neutral and non-polar, at codon 606 of the TCF3 protein (p.Val606Met).